The following is an entry in ClinVar:

ClinVar aggregate classification (germline): Conflicting classifications of pathogenicity. Review status: criteria provided, conflicting classifications (1 of 4 stars). 2 submissions from 2 submitters: Uncertain significance (1); Likely benign (1). Last evaluated 2025-02-17.

Allele frequency attached by ClinVar (database versions not stated): gnomAD exomes below 0.00001; ExAC 0.00001.
gnomAD v4.1: 7 of 1,614,170 alleles (0.00043%); highest among the groups gnomAD compares: South Asian, 0.0033%; no homozygotes.

Submissions (2):

Molecular Diagnostic Laboratory for Inherited Cardiovascular Disease, Montreal Heart Institute
Classification: Likely benign. Last evaluated: 2025-02-17. Review status: criteria provided, single submitter. Criteria: ACMG Guidelines, 2015. Collection method: clinical testing. Allele origin: germline. Affected: no.
Comment: PM2, BP4

GeneDx
Classification: Uncertain significance. Last evaluated: 2014-10-14. Review status: criteria provided, single submitter. Criteria: GeneDx Variant Classification (06012015). Collection method: clinical testing. Allele origin: germline. Affected: yes.
Comment: p.Tyr903Cys (TAT>TGT): c.2708 A>G in exon 19 of the DSP gene (NM_004415.2). The Y903C variant has not been published as a mutation, nor has it been reported as a benign polymorphism to our knowledge. The Y903C variant was not observed in approximately 6,500 individuals of European and African American ancestry in the NHLBI Exome Sequencing Project, indicating it is not a common benign variant in these populations. The Y903C variant is a non-conservative amino acid substitution, which is likely to impact secondary protein structure as these residues differ in polarity, charge, size and/or other properties. Additionally, this substitution occurs at a position that is conserved in most mammals. However, in silico analysis predicts this variant likely does not alter the protein structure/function. Furthermore, missense mutations in nearby residues have not been reported, indicating this region of the protein may be tolerant of change. Therefore, based on the currently available information, it is unclear whether this variant is a pathogenic mutation or a rare benign variant. The variant is found in ARRHYTHMIA panel(s).

NM_004415.4(DSP):c.2708A>G (p.Tyr903Cys)

Gene: DSP (desmoplakin; plus strand). Cytogenetic location: 6p24.3.
Variant type: single nucleotide variant.
Coding change: c.2708A>G on transcript NM_004415.4 (MANE Select); coding-DNA position 2708, A replaced by G.
Protein change: p.Tyr903Cys; replaces tyrosine 903 with cysteine.
Molecular consequence: missense variant.
Genome position (GRCh38, 1-based): chr6:7,576,371, A>G. VCF-style: chr6-7576371-A-G. GRCh37 (hg19) VCF-style: chr6-7576604-A-G.
Other names: p.Y903C:TAT>TGT; c.2708A>G (LRG_423t1, NM_004415.3); c.2708A>G, p.Tyr903Cys (NM_001008844.3, NM_001319034.2); short protein forms Y903C.
Identifiers: ClinVar variation 199933 (VCV000199933.3), dbSNP rs777613109, ClinGen allele CA005510.